The following is an entry in ClinVar:

ClinVar aggregate classification (germline): Uncertain significance (1 of 4 stars; one submission).

Conditions:
Hereditary sensory and autonomic neuropathy type 7. Also called: Neuropathy, hereditary sensory and autonomic, type VII; HSAN VII. Identifiers: Orphanet 391397, MedGen C3809882, MONDO:0014244, OMIM 615548.
Familial episodic pain syndrome with predominantly lower limb involvement. Also called: Episodic pain syndrome, familial, 3. Identifiers: Orphanet 391384, Orphanet 391392, MedGen C3809899, MONDO:0014247, OMIM 615552.

Allele frequency attached by ClinVar (database versions not stated): gnomAD 0.00001; gnomAD exomes 0.00001; TOPMed 0.00001.
gnomAD v4.1: 11 of 1,607,972 alleles (0.00068%); highest among the groups gnomAD compares: South Asian, 0.0022%; no homozygotes.

Submission:

Labcorp Genetics (formerly Invitae), Labcorp
Classification: Uncertain significance for Familial episodic pain syndrome with predominantly lower limb involvement; Hereditary sensory and autonomic neuropathy type 7. Last evaluated: 2023-08-04. Review status: criteria provided, single submitter. Criteria: Invitae Variant Classification Sherloc (09022015). Collection method: clinical testing. Allele origin: germline.
Comment: In summary, the available evidence is currently insufficient to determine the role of this variant in disease. Therefore, it has been classified as a Variant of Uncertain Significance. Algorithms developed to predict the effect of sequence changes on RNA splicing suggest that this variant may disrupt the consensus splice site. ClinVar contains an entry for this variant (Variation ID: 1912853). This variant has not been reported in the literature in individuals affected with SCN11A-related conditions. This variant is present in population databases (no rsID available, gnomAD 0.003%). This sequence change falls in intron 9 of the SCN11A gene. It does not directly change the encoded amino acid sequence of the SCN11A protein.

NM_001349253.2(SCN11A):c.1300-8A>G

Gene: SCN11A (sodium voltage-gated channel alpha subunit 11; minus strand). Cytogenetic location: 3p22.2.
Variant type: single nucleotide variant.
Coding change: c.1300-8A>G on transcript NM_001349253.2 (MANE Select); 8 bases into the intron before coding-DNA position 1300, A replaced by G.
Molecular consequence: intron variant.
Genome position (GRCh38, 1-based): chr3:38,908,130, T>C on the plus strand (A>G on the coding strand, the complement: SCN11A is on the minus strand). VCF-style: chr3-38908130-T-C. GRCh37 (hg19) VCF-style: chr3-38949621-T-C.
Other names: c.1300-8A>G (NM_014139.3).
Identifiers: ClinVar variation 1912853 (VCV001912853.5), dbSNP rs1394598190, ClinGen allele CA542616095.